The following is an entry in ClinVar:

ClinVar aggregate classification (germline): Uncertain significance. Review status: criteria provided, single submitter (1 of 4 stars). 2 submissions from 2 submitters: Uncertain significance (1). 1 of the submissions does not count toward it. Last evaluated 2023-08-07.

Conditions:
Retinitis pigmentosa 101. Identifiers: MedGen CN381042, MONDO:0981164, OMIM 621548.

Allele frequency attached by ClinVar (database versions not stated): gnomAD exomes below 0.00001.
gnomAD v4.1: 1 of 1,614,008 alleles (0.000062%); highest among the groups gnomAD compares: Non-Finnish European, 0.000085%; no homozygotes.

Submissions (2):

Women's Health and Genetics/Laboratory Corporation of America, LabCorp
Classification: Uncertain significance. Last evaluated: 2023-08-07. Review status: criteria provided, single submitter. Criteria: LabCorp Variant Classification Summary - May 2015. Collection method: clinical testing. Allele origin: germline.
Comment: Variant summary: CLN3 c.917T>A (p.Leu306His) results in a non-conservative amino acid change in the encoded protein sequence. Five of five in-silico tools predict a damaging effect of the variant on protein function. The variant was absent in 251000 control chromosomes (gnomAD). c.917T>A has been reported in the literature in compound heterozygous individuals affected with Vision Disorders and Developmental Delay (e.g. Ku_2017, Jilani_2019). These data indicate that the variant may be associated with disease. To our knowledge, no experimental evidence demonstrating an impact on protein function has been reported. The following publications have been ascertained in the context of this evaluation (PMID: 31741823, 28542676). No submitters have cited clinical-significance assessments for this variant to ClinVar after 2014. Based on the evidence outlined above, the variant was classified as VUS-possibly pathogenic.

OMIM
Classification: Pathogenic for RETINITIS PIGMENTOSA 101. Last evaluated: 2026-03-26. Review status: no assertion criteria provided. Collection method: literature only. Allele origin: germline. Not counted in ClinVar's aggregate classification.

Literature cited by the submitters: PubMed 28542676 (cited by Women's Health and Genetics/Laboratory Corporation of America, LabCorp and OMIM); PubMed 31741823 (cited by Women's Health and Genetics/Laboratory Corporation of America, LabCorp).

NM_001042432.2(CLN3):c.917T>A (p.Leu306His)

Gene: CLN3 (CLN3 lysosomal/endosomal transmembrane protein, battenin; minus strand). Cytogenetic location: 16p12.1.
Variant type: single nucleotide variant.
Coding change: c.917T>A on transcript NM_001042432.2 (MANE Select); coding-DNA position 917, T replaced by A.
Protein change: p.Leu306His; replaces leucine 306 with histidine.
Molecular consequence: missense variant.
Genome position (GRCh38, 1-based): chr16:28,482,372, A>T on the plus strand (T>A on the coding strand, the complement: CLN3 is on the minus strand). VCF-style: chr16-28482372-A-T. GRCh37 (hg19) VCF-style: chr16-28493693-A-T.
Other names: c.917T>A, p.Leu306His (NM_000086.2); c.845T>A, p.Leu282His (NM_001286104.2); c.617T>A, p.Leu206His (NM_001286105.2); c.683T>A, p.Leu228His (NM_001286109.2); c.755T>A, p.Leu252His (NM_001286110.2); short protein forms L206H, L228H, L252H, L282H, L306H.
Identifiers: ClinVar variation 2581521 (VCV002581521.2), dbSNP rs2506451890, ClinGen allele CA395344353.